The following is an entry in ClinVar:

NM_000051.4(ATM):c.3630G>A (p.Met1210Ile)

Gene: ATM (ATM serine/threonine kinase; plus strand). Cytogenetic location: 11q22.3.
Variant type: single nucleotide variant.
Coding change: c.3630G>A on transcript NM_000051.4 (MANE Select); coding-DNA position 3630, G replaced by A.
Protein change: p.Met1210Ile; replaces methionine 1210 with isoleucine.
Molecular consequence: missense variant.
Genome position (GRCh38, 1-based): chr11:108,282,763, G>A. VCF-style: chr11-108282763-G-A. GRCh37 (hg19) VCF-style: chr11-108153490-G-A.
Other names: p.Met1210Ile; c.3630G>A, p.Met1210Ile (NM_001351834.2); short protein forms M1210I.
Identifiers: ClinVar variation 133616 (VCV000133616.76), dbSNP rs587778073, ClinGen allele CA157107.
Genomic context (GRCh38, chr11:108,282,763, plus strand): 5'-CGTGCAGGTTTTAGAGAAAGTTTCTGAAACTTTTGGATATAGACGTTTAGAAGACTTTAT[G>A]GCATCTCATTTAGATTATCTGGTTTTGGAATGGCTAAATCTTCAAGATACTGAATACAAC-3'
Protein context (NP_000042.3, residues 1200-1220): TFGYRRLEDF[Met1210Ile]ASHLDYLVLE

ClinVar aggregate classification (germline): Conflicting classifications of pathogenicity. Review status: criteria provided, conflicting classifications (1 of 4 stars). 16 submissions from 16 submitters: Uncertain significance (12); Likely benign (1). 3 of the submissions do not count toward it. Last evaluated 2026-01-26.

Conditions:
Familial colorectal cancer type X. Identifiers: Orphanet 440437, MedGen C3896578, MONDO:0018604.
Hereditary cancer-predisposing syndrome. Also called: Tumor predisposition; Hereditary neoplastic syndrome; Neoplastic Syndromes, Hereditary; Hereditary Cancer Syndrome. Identifiers: Orphanet 140162, MedGen C0027672, MeSH D009386, MONDO:0015356.
Familial cancer of breast. Also called: Hereditary breast cancer; hereditary breast carcinoma; BREAST CANCER, FAMILIAL. Identifiers: Orphanet 227535, MedGen C0346153, MONDO:0016419, OMIM 114480. Disease mechanism: loss of function.
Ataxia-telangiectasia syndrome (AT). Also called: LOUIS-BAR SYNDROME; Ataxia-telangiectasia; Ataxia telangiectasia (A-T); Cerebello-oculocutaneous telangiectasia; Immunodeficiency with ataxia telangiectasia; Ataxia-telangiectasia, complementation group D. Identifiers: Orphanet 100, MedGen C0004135, MONDO:0008840, OMIM 208900.

Allele frequency attached by ClinVar (database versions not stated): TOPMed below 0.00001; gnomAD 0.00002.

Submissions (16):

Labcorp Genetics (formerly Invitae), Labcorp
Classification: Uncertain significance for Ataxia-telangiectasia syndrome. Last evaluated: 2026-01-26. Review status: criteria provided, single submitter. Criteria: Invitae Variant Classification Sherloc (09022015). Collection method: clinical testing. Allele origin: germline.
Comment: This sequence change replaces methionine, which is neutral and non-polar, with isoleucine, which is neutral and non-polar, at codon 1210 of the ATM protein (p.Met1210Ile). This variant is present in population databases (rs587778073, gnomAD 0.004%). This missense change has been observed in individual(s) with breast cancer (PMID: 11996792, 19781682). ClinVar contains an entry for this variant (Variation ID: 133616). Invitae Evidence Modeling of protein sequence and biophysical properties (such as structural, functional, and spatial information, amino acid conservation, physicochemical variation, residue mobility, and thermodynamic stability) indicates that this missense variant is not expected to disrupt ATM protein function with a negative predictive value of 95%. In summary, the available evidence is currently insufficient to determine the role of this variant in disease. Therefore, it has been classified as a Variant of Uncertain Significance.

Ambry Genetics
Classification: Uncertain significance for Hereditary cancer-predisposing syndrome. Last evaluated: 2025-12-10. Review status: criteria provided, single submitter. Criteria: Ambry Variant Classification Scheme 2023. Collection method: clinical testing. Allele origin: germline.
Comment: The p.M1210I variant (also known as c.3630G>A), located in coding exon 24 of the ATM gene, results from a G to A substitution at nucleotide position 3630. The methionine at codon 1210 is replaced by isoleucine, an amino acid with highly similar properties. This amino acid position is well conserved in available vertebrate species. In addition, this alteration is predicted to be deleterious by in silico analysis. Based on the available evidence, the clinical significance of this variant remains unclear.

KCCC/NGS Laboratory, Kuwait Cancer Control Center
Classification: Uncertain significance for Familial cancer of breast. Last evaluated: 2025-07-07. Review status: criteria provided, single submitter. Criteria: ACMG Guidelines, 2015. Collection method: clinical testing. Allele origin: germline. Inheritance: Autosomal dominant inheritance. Affected: yes. Observed: 1 heterozygote.
Comment: This sequence change replaces methionine, which is neutral and non-polar, with isoleucine, which is neutral and non-polar, at codon 1210 of the ATM protein (p.Met1210Ile). This variant is present in population databases (rs587778073, gnomAD 0.004%). This missense change has been observed in individual(s) with breast cancer (PMID: 11996792, 19781682, 24728327, 27153395, 29522266, 28779002, 30197789, 12935922, 35561840, 33606809). ClinVar contains an entry for this variant (Variation ID: 133616).In silico analysis supports that this missense variant does not alter protein structure/function. In summary, the available evidence is currently insufficient to determine the role of this variant in disease. Therefore, it has been classified as a Variant of Uncertain Significance.

Department of Pathology and Laboratory Medicine, Sinai Health System
Classification: Uncertain significance for Familial colorectal cancer type X. Last evaluated: 2024-10-22. Review status: criteria provided, single submitter. Criteria: ACMG Guidelines, 2015. Collection method: clinical testing. Allele origin: germline. Affected: yes.

Blueprint Genetics
Classification: Uncertain significance. Last evaluated: 2024-06-04. Review status: criteria provided, single submitter. Criteria: ACMG Guidelines, 2015. Collection method: clinical testing. Allele origin: germline.

Baylor Genetics
Classification: Uncertain significance for Familial cancer of breast. Last evaluated: 2024-02-25. Review status: criteria provided, single submitter. Criteria: ACMG Guidelines, 2015. Collection method: clinical testing. Allele origin: unknown.

Mayo Clinic Laboratories, Mayo Clinic
Classification: Uncertain significance. Last evaluated: 2024-02-01. Review status: criteria provided, single submitter. Criteria: ACMG Guidelines, 2015. Collection method: clinical testing. Allele origin: germline. Observed: 2 variant alleles.

Color Diagnostics, LLC DBA Color Health
Classification: Uncertain significance for Hereditary cancer-predisposing syndrome. Last evaluated: 2023-12-18. Review status: criteria provided, single submitter. Criteria: ACMG Guidelines, 2015. Collection method: clinical testing. Allele origin: germline.
Comment: This missense variant replaces methionine with isoleucine at codon 1210 of the ATM protein. Computational prediction suggests that this variant may not impact protein structure and function. To our knowledge, functional studies have not been reported for this variant. This variant has been reported in individuals affected with breast cancer (PMID: 11996792, 19781682, 28779002, 29522266, 33606809). This variant has also been identified in 6/282508 chromosomes in the general population by the Genome Aggregation Database (gnomAD). The available evidence is insufficient to determine the role of this variant in disease conclusively. Therefore, this variant is classified as a Variant of Uncertain Significance.

Women's Health and Genetics/Laboratory Corporation of America, LabCorp
Classification: Uncertain significance. Last evaluated: 2023-02-20. Review status: criteria provided, single submitter. Criteria: LabCorp Variant Classification Summary - May 2015. Collection method: clinical testing. Allele origin: germline.
Comment: Variant summary: ATM c.3630G>A (p.Met1210Ile) results in a conservative amino acid change in the encoded protein sequence. Four of five in-silico tools predict a benign effect of the variant on protein function. The variant allele was found at a frequency of 2.7e-05 in 256994 control chromosomes. The available data on variant occurrences in the general population are insufficient to allow any conclusion about variant significance. The c.3630G>A variant has been reported in the literature in an individual affected with Breast Cancer (Sommer 2003, Tavtigian 2009, Sandoval_2021), but also was found in healthy controls (Bodian 2014), thus these reports do not provide unequivocal conclusions about an association of the variant with Breast Cancer. To our knowledge, no experimental evidence demonstrating an impact on protein function has been reported. Nine clinical diagnostic laboratories have submitted clinical-significance assessments for this variant to ClinVar after 2014 without evidence for independent evaluation. Eight submitters classified the variant as VUS while one classified as likely benign. Based on the evidence outlined above, the variant was classified as uncertain significance.

GeneDx
Classification: Uncertain significance. Last evaluated: 2023-01-31. Review status: criteria provided, single submitter. Criteria: GeneDx Variant Classification Process June 2021. Collection method: clinical testing. Allele origin: germline. Affected: yes.
Comment: Not observed at significant frequency in large population cohorts (gnomAD); In silico analysis supports that this missense variant does not alter protein structure/function; Observed in individuals with breast cancer (Sommer et al., 2002; Tavtigian et al., 2009; Decker et al., 2017; Hauke et al., 2018; Sandoval et al., 2021); This variant is associated with the following publications: (PMID: 11996792, 19781682, 24728327, 27153395, 29522266, 28779002, 30197789, 12935922, 35561840, 33606809)

Sema4
Classification: Uncertain significance for Hereditary cancer-predisposing syndrome. Last evaluated: 2021-09-07. Review status: criteria provided, single submitter. Criteria: Sema4 Curation Guidelines. Collection method: curation. Allele origin: germline.
Comment: The ATM c.3630G>A (p.M1210I) variant has been reported in heterozygosity in at least 3 individuals with breast cancer (PMID: 11996792, 19781682, 29522266), as well as in healthy controls (PMID: 24728327). This variant was observed in 5/128994 chromosomes of the Non-Finnish European subpopulation in the large and broad cohorts of the Genome Aggregation Database (PMID: 32461654). The variant has been reported in ClinVar (Variation ID 133616). Functional studies have not been performed, and in silico predictions of the variant's effect on protein function are inconclusive. The evidence is insufficient to meet ACMG/AMP criteria for classifying the variant as benign or pathogenic. Thus, the clinical significance of this variant is currently uncertain.

CeGaT Center for Human Genetics Tuebingen
Classification: Likely benign. Last evaluated: 2021-09-01. Review status: criteria provided, single submitter. Criteria: CeGaT Center For Human Genetics Tuebingen Variant Classification Criteria Version 2. Collection method: clinical testing. Allele origin: germline. Affected: yes. Observed: 1 variant allele.

Genetic Services Laboratory, University of Chicago
Classification: Uncertain significance. Last evaluated: 2017-01-27. Review status: criteria provided, single submitter. Criteria: ACMG Guidelines, 2015. Collection method: clinical testing. Allele origin: germline. Affected: no.

Natera, Inc.
Classification: Uncertain significance for Ataxia-telangiectasia. Last evaluated: 2020-09-16. Review status: no assertion criteria provided. Collection method: clinical testing. Allele origin: germline. Not counted in ClinVar's aggregate classification.

Counsyl
Classification: Uncertain significance for Ataxia-telangiectasia syndrome. Last evaluated: 2016-12-22. Review status: no assertion criteria provided. Collection method: clinical testing. Allele origin: unknown. Not counted in ClinVar's aggregate classification.

ITMI
No classification provided. Condition: AllHighlyPenetrant. Last evaluated: 2013-09-19. Review status: no classification provided. Collection method: reference population. Allele origin: germline. Not counted in ClinVar's aggregate classification.
Comment: Please see associated publication for description of ethnicities

Literature cited by the submitters: PubMed 11996792 (cited by 5 submitters); PubMed 19781682 (cited by 7 submitters); PubMed 24728327 (cited by 6 submitters); PubMed 28779002 (cited by 4 submitters); PubMed 29522266 (cited by 4 submitters); PubMed 33606809 (cited by 5 submitters); PubMed 12935922 (cited by Department of Pathology and Laboratory Medicine, Sinai Health System and Women's Health and Genetics/Laboratory Corporation of America, LabCorp); PubMed 33471991 (cited by Department of Pathology and Laboratory Medicine, Sinai Health System); PubMed 34250417 (cited by Department of Pathology and Laboratory Medicine, Sinai Health System and Women's Health and Genetics/Laboratory Corporation of America, LabCorp); PubMed 27153395 (cited by Women's Health and Genetics/Laboratory Corporation of America, LabCorp).